The following is an entry in ClinVar:

NM_017934.7(PHIP):c.5422C>T (p.Arg1808Ter)

Genes: IRAK1BP1 (interleukin 1 receptor associated kinase 1 binding protein 1; plus strand), PHIP (PHIP subunit of CUL4-Ring ligase complex; minus strand). Cytogenetic location: 6q14.1.
Variant type: single nucleotide variant.
Coding change: c.5422C>T on transcript NM_017934.7 (MANE Select); coding-DNA position 5422, C replaced by T.
Protein change: p.Arg1808Ter; replaces arginine 1808 with a stop codon.
Molecular consequence: nonsense.
Genome position (GRCh38, 1-based): chr6:78,940,737, G>A on the plus strand (C>T on the coding strand, the complement: PHIP is on the minus strand). VCF-style: chr6-78940737-G-A. GRCh37 (hg19) VCF-style: chr6-79650454-G-A.
Other names: short protein forms R1808*.
Identifiers: ClinVar variation 1310666 (VCV001310666.3), dbSNP rs2127677234, ClinGen allele CA364631836.

ClinVar aggregate classification (germline): Uncertain significance (1 of 4 stars; one submission).

Allele frequency attached by ClinVar (database versions not stated): gnomAD exomes below 0.00001.
gnomAD v4.1: 1 of 1,612,218 alleles (0.000062%); highest among the groups gnomAD compares: Non-Finnish European, 0.000085%; no homozygotes.

Submission:

GeneDx
Classification: Uncertain significance. Last evaluated: 2024-08-08. Review status: criteria provided, single submitter. Criteria: GeneDx Variant Classification Process June 2021. Collection method: clinical testing. Allele origin: germline. Affected: yes.
Comment: Not observed at significant frequency in large population cohorts (gnomAD); Has not been previously published as pathogenic or benign to our knowledge; Nonsense variant predicted to result in protein truncation as the last 14 amino acids are lost